The following is an entry in ClinVar:

ClinVar aggregate classification (germline): Uncertain significance (1 of 4 stars; one submission).

Allele frequency attached by ClinVar (database versions not stated): gnomAD exomes 0.00002; ExAC 0.00006; 1000 Genomes Project 30x 0.00016; 1000 Genomes Project 0.00020; TOPMed below 0.00001; gnomAD 0.00002.
gnomAD v4.1: 32 of 1,613,748 alleles (0.002%); highest among the groups gnomAD compares: South Asian, 0.031%; 1 homozygote.

Submission:

Labcorp Genetics (formerly Invitae), Labcorp
Classification: Uncertain significance. Last evaluated: 2022-06-10. Review status: criteria provided, single submitter. Criteria: Invitae Variant Classification Sherloc (09022015). Collection method: clinical testing. Allele origin: germline.
Comment: In summary, the available evidence is currently insufficient to determine the role of this variant in disease. Therefore, it has been classified as a Variant of Uncertain Significance. Algorithms developed to predict the effect of missense changes on protein structure and function (SIFT, PolyPhen-2, Align-GVGD) all suggest that this variant is likely to be tolerated. This variant has not been reported in the literature in individuals affected with MME-related conditions. This variant is present in population databases (rs554131206, gnomAD 0.03%). This sequence change replaces methionine, which is neutral and non-polar, with valine, which is neutral and non-polar, at codon 273 of the MME protein (p.Met273Val).

NM_007289.4(MME):c.817A>G (p.Met273Val)

Gene: MME (membrane metalloendopeptidase; plus strand). Cytogenetic location: 3q25.2.
Variant type: single nucleotide variant.
Coding change: c.817A>G on transcript NM_007289.4 (MANE Select); coding-DNA position 817, A replaced by G.
Protein change: p.Met273Val; replaces methionine 273 with valine.
Molecular consequence: missense variant.
Genome position (GRCh38, 1-based): chr3:155,138,198, A>G. VCF-style: chr3-155138198-A-G. GRCh37 (hg19) VCF-style: chr3-154855987-A-G.
Other names: c.817A>G, p.Met273Val (NM_000902.5, NM_001354642.2, NM_001354643.1 and 2 more transcripts); short protein forms M273V.
Identifiers: ClinVar variation 1944240 (VCV001944240.3), dbSNP rs554131206, ClinGen allele CA2675281.